The following is an entry in ClinVar:

ClinVar aggregate classification (germline): Likely benign. Review status: criteria provided, multiple submitters, no conflicts (2 of 4 stars). 2 submissions from 2 submitters: Likely benign (2). Last evaluated 2023-10-22.

Conditions:
Charcot-Marie-Tooth disease axonal type 2O. Also called: Charcot-Marie-Tooth disease, axonal, type 20; CHARCOT-MARIE-TOOTH NEUROPATHY, AXONAL, TYPE 2O; CHARCOT-MARIE-TOOTH DISEASE, AXONAL, AUTOSOMAL DOMINANT, TYPE 2O; Charcot-Marie-Tooth Neuropathy Type 2O. Identifiers: Orphanet 284232, MedGen C3280220, MONDO:0013644, OMIM 614228.

Allele frequency attached by ClinVar (database versions not stated): gnomAD exomes below 0.00001 and 0.00003; gnomAD 0.00001; TOPMed 0.00002; ExAC 0.00004.
gnomAD v4.1: 6 of 1,606,666 alleles (0.00037%); highest among the groups gnomAD compares: East Asian, 0.014%; no homozygotes.

Submissions (2):

Labcorp Genetics (formerly Invitae), Labcorp
Classification: Likely benign for Charcot-Marie-Tooth disease axonal type 2O. Last evaluated: 2023-10-22. Review status: criteria provided, single submitter. Criteria: Invitae Variant Classification Sherloc (09022015). Collection method: clinical testing. Allele origin: germline.

GeneDx
Classification: Likely benign. Last evaluated: 2016-10-27. Review status: criteria provided, single submitter. Criteria: GeneDx Variant Classification (06012015). Collection method: clinical testing. Allele origin: germline. Affected: yes.
Comment: This variant is considered likely benign or benign based on one or more of the following criteria: it is a conservative change, it occurs at a poorly conserved position in the protein, it is predicted to be benign by multiple in silico algorithms, and/or has population frequency not consistent with disease.

NM_001376.5(DYNC1H1):c.7467C>T (p.Tyr2489=)

Gene: DYNC1H1 (dynein cytoplasmic 1 heavy chain 1; plus strand). Cytogenetic location: 14q32.31.
Variant type: single nucleotide variant.
Coding change: c.7467C>T on transcript NM_001376.5 (MANE Select); coding-DNA position 7467, C replaced by T.
Protein change: p.Tyr2489=; no amino-acid change (tyrosine 2489 retained).
Molecular consequence: synonymous variant.
Genome position (GRCh38, 1-based): chr14:102,016,080, C>T. VCF-style: chr14-102016080-C-T. GRCh37 (hg19) VCF-style: chr14-102482417-C-T.
Identifiers: ClinVar variation 389943 (VCV000389943.9), dbSNP rs772321409, ClinGen allele CA7352821.
Genomic context (GRCh38, chr14:102,016,080, plus strand): 5'-GGCGCAGTATAACGCCAACCATCCCGACTTCCCCATGCAGATCGAGCAGCTGGAGCGCTA[C>T]ATTCAGGTCAGGGGGCATCAGGGGCTTCACAGAGCTCACCACTGCGCCAGACCACAGGTC-3'
Protein context (NP_001367.2, residues 2479-2499): FPMQIEQLER[Tyr2489=]IQRYLVYAIL